The following is an entry in ClinVar:

ClinVar aggregate classification (germline): Pathogenic (1 of 4 stars; one submission).

Submission:

Labcorp Genetics (formerly Invitae), Labcorp
Classification: Pathogenic. Last evaluated: 2025-10-03. Review status: criteria provided, single submitter. Criteria: Invitae Variant Classification Sherloc (09022015). Collection method: clinical testing. Allele origin: germline.
Comment: This sequence change creates a premature translational stop signal (p.Phe119Cysfs*20) in the IFT43 gene. It is expected to result in an absent or disrupted protein product. Loss-of-function variants in IFT43 are known to be pathogenic (PMID: 21378380, 28400947). This variant is not present in population databases (gnomAD no frequency). This variant has not been reported in the literature in individuals affected with IFT43-related conditions. ClinVar contains an entry for this variant (Variation ID: 1923321). For these reasons, this variant has been classified as Pathogenic.

Literature cited by the submitters: PubMed 21378380; PubMed 28400947.

NM_001102564.3(IFT43):c.341_342del (p.Phe114fs)

Gene: IFT43 (intraflagellar transport 43; plus strand). Cytogenetic location: 14q24.3.
Variant type: Deletion.
Coding change: c.341_342del on transcript NM_001102564.3 (MANE Select); coding-DNA positions 341 to 342, 2 bases deleted (TT; older notation c.341_342delTT).
Protein change: p.Phe114fs; shifts the reading frame from phenylalanine 114.
Molecular consequence: frameshift variant. On other transcripts: non-coding transcript variant (2).
Genome position (GRCh38, 1-based): chr14:76,082,340-76,082,341, TT deleted; deleting any 2 consecutive bases within chr14:76,082,339-76,082,341 gives the same sequence; the c. name uses the placement nearest the transcript's 3' end. VCF-style (leftmost placement, unchanged base first): chr14-76082338-CTT-C. GRCh37 (hg19) VCF-style: chr14-76548681-CTT-C.
Other names: c.356_357del, p.Phe119fs (NM_052873.3); short protein forms F119fs, F114fs.
Identifiers: ClinVar variation 1923321 (VCV001923321.5), dbSNP rs748454643, ClinGen allele CA2580088776.